The following is an entry in ClinVar:

ClinVar aggregate classification (germline): Uncertain significance (3 of 4 stars; one submission).

Conditions:
Open-angle glaucoma. Identifiers: MedGen C0017612, MONDO:0005338, HP:0012108.

Submission:

ClinGen Glaucoma Variant Curation Expert Panel
Classification: Uncertain significance for Open-angle glaucoma. Last evaluated: 2025-10-08. Review status: reviewed by expert panel. Criteria: ClinGen Glaucoma ACMG Specifications V2.0.0 Approved. Collection method: curation. Allele origin: germline. Inheritance: Autosomal dominant inheritance.
Comment: The c.599del variant in MYOC is a deletion of a single nucleotide, predicted to encode a frameshift with consequent premature termination of the protein at codon 16 of the frameshift, or amino acid 215 (p.Arg200LysfsTer16). Truncation of this protein occurs outside of the conserved olfactomedin domain, which did not meet PM4. PVS1 did not apply, as the disease mechanism for MYOC variants associated with juvenile or primary open angle glaucoma is not loss-of-function. This variant was not found in any genetic ancestry group of gnomAD (v4.1.0), meeting the ≤ 0.0001 threshold set for PM2_Supporting in a genetic ancestry group of at least 10,000 alleles. There was no computational or functional evidence predicting a damaging or benign impact of this variant on MYOC function. Only 1 proband with juvenile open angle glaucoma had been reported (PMID: Yadav et al, 2022, Pre-print), not meeting the ≥ 2 probands threshold required to meet PS4_Supporting. In summary, this variant met the criteria to receive a score of 1 and to be classified as a variant of uncertain significance (uncertain significance classification range -1 to 5, adapted from PMID: 32720330) for juvenile open angle glaucoma based on the ACMG/AMP criteria met, as specified by the ClinGen Glaucoma VCEP (v2.0.0, 5 Dec 2024): PM2_Supporting.

NM_000261.2(MYOC):c.599del (p.Arg200fs)

Gene: MYOC (myocilin; minus strand). Cytogenetic location: 1q24.3.
Variant type: Deletion.
Coding change: c.599del on transcript NM_000261.2 (MANE Select); coding-DNA position 599, one base deleted (G; older notation c.599delG).
Protein change: p.Arg200fs; shifts the reading frame from arginine 200.
Molecular consequence: frameshift variant.
Genome position (GRCh38, 1-based): chr1:171,652,013, C deleted on the plus strand (G on the coding strand, the reverse complement: MYOC is on the minus strand). VCF-style (leftmost placement, unchanged base first): chr1-171652012-TC-T. GRCh37 (hg19) VCF-style: chr1-171621152-TC-T.
Other names: NM_000261.2:c.599del; short protein forms R200fs.
Identifiers: ClinVar variation 2575100 (VCV002575100.2), dbSNP rs2527872767, ClinGen allele CA2573130348.
Genomic context (GRCh38, chr1:171,652,012, plus strand): 5'-TCACTACGAGCCATATCACCTGCTGAACTCAGAGTCCCCCCACTCTGCATTCTTACCTTC[TC>T]TGGAGCCTGGTGGCACAGCCCGAGCAGTGTCTCGGGTCTGGGGACACTGGCCCCTTCTCA-3'